The following is an entry in ClinVar:

ClinVar aggregate classification (germline): Pathogenic (1 of 4 stars; one submission).

Conditions:
Purine-nucleoside phosphorylase deficiency. Also called: Immunodeficiency due to purine nucleoside phosphorylase deficiency; NUCLEOSIDE PHOSPHORYLASE DEFICIENCY. Identifiers: Orphanet 760, MedGen C0268125, MONDO:0013171, OMIM 613179.

Submission:

Labcorp Genetics (formerly Invitae), Labcorp
Classification: Pathogenic for Purine-nucleoside phosphorylase deficiency. Last evaluated: 2025-12-02. Review status: criteria provided, single submitter. Criteria: Invitae Variant Classification Sherloc (09022015). Collection method: clinical testing. Allele origin: germline.
Comment: This sequence change creates a premature translational stop signal (p.Trp94*) in the PNP gene. It is expected to result in an absent or disrupted protein product. Loss-of-function variants in PNP are known to be pathogenic (PMID: 24767876). This variant is not present in population databases (gnomAD no frequency). This variant has not been reported in the literature in individuals affected with PNP-related conditions. For these reasons, this variant has been classified as Pathogenic.

Literature cited by the submitters: PubMed 24767876.

NM_000270.4(PNP):c.281G>A (p.Trp94Ter)

Gene: PNP (purine nucleoside phosphorylase; plus strand). Cytogenetic location: 14q11.2.
Variant type: single nucleotide variant.
Coding change: c.281G>A on transcript NM_000270.4 (MANE Select); coding-DNA position 281, G replaced by A.
Protein change: p.Trp94Ter; replaces tryptophan 94 with a stop codon.
Molecular consequence: nonsense.
Genome position (GRCh38, 1-based): chr14:20,474,571, G>A. VCF-style: chr14-20474571-G-A. GRCh37 (hg19) VCF-style: chr14-20942730-G-A.
Other names: short protein forms W94*.
Identifiers: ClinVar variation 4731810 (VCV004731810.1).